The following is an entry in ClinVar:

NM_014861.4(ATP2C2):c.588C>T (p.Ile196=)

Gene: ATP2C2 (ATPase secretory pathway Ca2+ transporting 2; plus strand). Cytogenetic location: 16q24.1.
Variant type: single nucleotide variant.
Coding change: c.588C>T on transcript NM_014861.4 (MANE Select); coding-DNA position 588, C replaced by T.
Protein change: p.Ile196=; no amino-acid change (isoleucine 196 retained).
Molecular consequence: synonymous variant.
Genome position (GRCh38, 1-based): chr16:84,415,555, C>T. VCF-style: chr16-84415555-C-T. GRCh37 (hg19) VCF-style: chr16-84449161-C-T.
Other names: c.588C>T, p.Ile196= (NM_001286527.3); c.135C>T, p.Ile45= (NM_001291454.2).
Identifiers: ClinVar variation 3059110 (VCV003059110.2), dbSNP rs3743651, ClinGen allele CA8206786.

ClinVar aggregate classification (germline): Benign (0 of 4 stars; one submission).

Conditions:
ATP2C2-related disorder. Also called: ATP2C2-related condition.

Allele frequency attached by ClinVar (database versions not stated): ESP Exome Variant Server 0.05780; 1000 Genomes Project 30x 0.08979; 1000 Genomes Project 0.09285.
gnomAD v4.1: 116,003 of 1,613,884 alleles (7.2%); highest among the groups gnomAD compares: East Asian, 15%; 4,743 homozygotes.

Submission:

PreventionGenetics, part of Exact Sciences
Classification: Benign for ATP2C2-related condition. Last evaluated: 2019-12-16. Review status: no assertion criteria provided. Collection method: clinical testing. Allele origin: germline.
Comment: This variant is classified as benign based on ACMG/AMP sequence variant interpretation guidelines (Richards et al. 2015 PMID: 25741868, with internal and published modifications).